The following is an entry in ClinVar:

NM_206933.4(USH2A):c.7000A>G (p.Asn2334Asp)

Gene: USH2A (usherin; minus strand). Cytogenetic location: 1q41.
Variant type: single nucleotide variant.
Coding change: c.7000A>G on transcript NM_206933.4 (MANE Select); coding-DNA position 7000, A replaced by G.
Protein change: p.Asn2334Asp; replaces asparagine 2334 with aspartic acid.
Molecular consequence: missense variant.
Genome position (GRCh38, 1-based): chr1:215,965,437, T>C on the plus strand (A>G on the coding strand, the complement: USH2A is on the minus strand). VCF-style: chr1-215965437-T-C. GRCh37 (hg19) VCF-style: chr1-216138779-T-C.
Other names: short protein forms N2334D.
Identifiers: ClinVar variation 225513 (VCV000225513.10), dbSNP rs201281141, ClinGen allele CA1394970.
Genomic context (GRCh38, chr1:215,965,437, plus strand): 5'-GAAAAGGTGCTTCCCACCTCACGTGGGCTTTCCGGGATCCCTGTGTTTTGACAAACACAT[T>C]TACTGTTCCTTCAGGAGGAGCTTCTAGAGTTCGATTTTCCACCTGTGAGTATAAAAAGAT-3'
Protein context (NP_996816.3, residues 2324-2344): TLEAPPEGTV[Asn2334Asp]VFVKTQGSRK

ClinVar aggregate classification (germline): Conflicting classifications of pathogenicity. Review status: criteria provided, conflicting classifications (1 of 4 stars). 6 submissions from 6 submitters: Uncertain significance (4); Likely benign (1). 1 of the submissions does not count toward it. Last evaluated 2024-12-16.

Conditions:
Retinitis pigmentosa 39 (RP39). Identifiers: Orphanet 791, MedGen C3151138, MONDO:0013436, OMIM 613809.
Usher syndrome type 2A. Also called: RETINAL DISEASE IN USHER SYNDROME TYPE IIA, MODIFIER OF; USHER SYNDROME, TYPE IIA. Identifiers: Orphanet 231178, Orphanet 886, MedGen C1848634, MONDO:0010169, OMIM 276901.

Allele frequency attached by ClinVar (database versions not stated): gnomAD exomes 0.00003 and 0.00013; TOPMed 0.00003; gnomAD 0.00005; ExAC 0.00009; 1000 Genomes Project 30x 0.00016; 1000 Genomes Project 0.00020.
gnomAD v4.1: 49 of 1,613,774 alleles (0.003%); highest among the groups gnomAD compares: East Asian, 0.11%; no homozygotes.

Submissions (6):

Labcorp Genetics (formerly Invitae), Labcorp
Classification: Likely benign. Last evaluated: 2024-12-16. Review status: criteria provided, single submitter. Criteria: Invitae Variant Classification Sherloc (09022015). Collection method: clinical testing. Allele origin: germline.

Blueprint Genetics
Classification: Uncertain significance. Last evaluated: 2024-10-29. Review status: criteria provided, single submitter. Criteria: ACMG Guidelines, 2015. Collection method: clinical testing. Allele origin: germline.

Women's Health and Genetics/Laboratory Corporation of America, LabCorp
Classification: Uncertain significance. Last evaluated: 2022-07-17. Review status: criteria provided, single submitter. Criteria: LabCorp Variant Classification Summary - May 2015. Collection method: clinical testing. Allele origin: germline.
Comment: Variant summary: USH2A c.7000A>G (p.Asn2334Asp) results in a conservative amino acid change located in the Fibronectin type III domain (IPR003961) of the encoded protein sequence. Five of five in-silico tools predict a benign effect of the variant on protein function. The variant allele was found at a frequency of 0.00013 in 251068 control chromosomes, predominantly at a frequency of 0.0018 within the East Asian subpopulation in the gnomAD database. This frequency is not significantly higher than estimated for a pathogenic variant in USH2A causing Usher Syndrome (0.00013 vs 0.011), allowing no conclusion about variant significance. c.7000A>G has been reported in the literature as a non-informative genotype in settings of multigene panel testing among cohorts of East Asian individuals affected with hearing loss (example, Miyagawa_2013, Liu_2022) and non syndromic Retinitis Pigmentosa (example, Zhu_2021). These data do not allow any conclusion about variant significance. To our knowledge, no experimental evidence demonstrating an impact on protein function has been reported. Two clinical diagnostic laboratories have submitted clinical-significance assessments for this variant to ClinVar after 2014 without evidence for independent evaluation. All laboratories classified the variant as uncertain significance. Based on the evidence outlined above, the variant was classified as uncertain significance.

Fulgent Genetics
Classification: Uncertain significance for Usher syndrome type 2A; Retinitis pigmentosa 39. Last evaluated: 2021-07-28. Review status: criteria provided, single submitter. Criteria: ACMG Guidelines, 2015. Collection method: clinical testing. Allele origin: unknown.

Soonchunhyang University Bucheon Hospital, Soonchunhyang University Medical Center
Classification: Uncertain significance for Usher syndrome type 2A. Last evaluated: 2016-03-18. Review status: criteria provided, single submitter. Criteria: ACMG Guidelines, 2015. Collection method: reference population. Allele origin: germline. Observed: 1 variant allele.

Counsyl
Classification: Uncertain significance for Usher syndrome type 2A; Retinitis pigmentosa 39. Last evaluated: 2017-02-21. Review status: no assertion criteria provided. Collection method: clinical testing. Allele origin: unknown. Not counted in ClinVar's aggregate classification.

Literature cited by the submitters: PubMed 23967202 (cited by 3 submitters); PubMed 32675063 (cited by Women's Health and Genetics/Laboratory Corporation of America, LabCorp); PubMed 35114279 (cited by Women's Health and Genetics/Laboratory Corporation of America, LabCorp).